The following is an entry in ClinVar:

ClinVar aggregate classification (germline): Likely benign. Review status: criteria provided, multiple submitters, no conflicts (2 of 4 stars). 2 submissions from 2 submitters: Likely benign (2). Last evaluated 2026-02-01.

gnomAD v4.1: 927 of 1,614,008 alleles (0.057%); highest among the groups gnomAD compares: Admixed American, 0.25%; 1 homozygote.

Submissions (2):

CeGaT Center for Human Genetics Tuebingen
Classification: Likely benign. Last evaluated: 2026-02-01. Review status: criteria provided, single submitter. Criteria: CeGaT Center For Human Genetics Tuebingen Variant Classification Criteria Version 2. Collection method: clinical testing. Allele origin: germline. Affected: yes. Observed: 1 variant allele.
Comment: CTNNBL1: BP4, BP7

Blueprint Genetics
Classification: Likely benign. Last evaluated: 2024-09-26. Review status: criteria provided, single submitter. Criteria: ACMG Guidelines, 2015. Collection method: clinical testing. Allele origin: germline.

NM_030877.5(CTNNBL1):c.456C>T (p.His152=)

Gene: CTNNBL1 (catenin beta like 1; plus strand). Cytogenetic location: 20q11.23.
Variant type: single nucleotide variant.
Coding change: c.456C>T on transcript NM_030877.5 (MANE Select); coding-DNA position 456, C replaced by T.
Protein change: p.His152=; no amino-acid change (histidine 152 retained).
Molecular consequence: synonymous variant.
Genome position (GRCh38, 1-based): chr20:37,746,597, C>T. VCF-style: chr20-37746597-C-T. GRCh37 (hg19) VCF-style: chr20-36374999-C-T.
Other names: c.375C>T, p.His125= (NM_001281495.2).
Identifiers: ClinVar variation 4821354 (VCV004821354.5).
Genomic context (GRCh38, chr20:37,746,597, plus strand): 5'-CCTGTACCACCTTCTGGTGGAGCTGAATGCTGTACAGTCGCTTCTCGGCTTGCTCGGACA[C>T]GATAATACAGATATCCTTTCAGATCTGACCTCAGTAGGAGAGCTGACATGGTGGGGAAGT-3'
Protein context (NP_110517.2, residues 142-162): AVQSLLGLLG[His152=]DNTDVSIAVV